The following is an entry in ClinVar:

ClinVar aggregate classification (germline): Uncertain significance (1 of 4 stars; one submission).

Conditions:
Familial intrahepatic cholestasis. Identifiers: Orphanet 284385, MedGen CN296401, MONDO:0017290.

Submission:

Genomenon, Inc
Classification: Uncertain significance for Familial intrahepatic cholestasis. Last evaluated: 2026-04-14. Review status: criteria provided, single submitter. Criteria: Genomenon Sequence Variant Interpretation Standards - Updated. Collection method: curation. Allele origin: germline. Affected: yes.
Comment: ATP8B1 p.Glu581Lys (c.1741G>A) is a missense variant that changes the amino acid at residue 581 from Glutamic acid to Lysine. This variant has been reported in at least one proband with features of ATP8B1-deficiency (PMID:26382629;27050426). It is absent or not present at a significant frequency in gnomAD. In conclusion, we classify ATP8B1 p.Glu581Lys (c.1741G>A) as a variant of uncertain significance.

Literature cited by the submitters: PubMed 26382629; PubMed 27050426.

NM_001374385.1(ATP8B1):c.1741G>A (p.Glu581Lys)

Gene: ATP8B1 (ATPase phospholipid transporting 8B1; minus strand). Cytogenetic location: 18q21.31.
Variant type: single nucleotide variant.
Coding change: c.1741G>A on transcript NM_001374385.1 (MANE Select); coding-DNA position 1741, G replaced by A.
Protein change: p.Glu581Lys; replaces glutamic acid 581 with lysine.
Molecular consequence: missense variant.
Genome position (GRCh38, 1-based): chr18:57,674,912, C>T on the plus strand (G>A on the coding strand, the complement: ATP8B1 is on the minus strand). VCF-style: chr18-57674912-C-T. GRCh37 (hg19) VCF-style: chr18-55342144-C-T.
Other names: c.1591G>A, p.Glu531Lys (NM_001374386.1); c.1741G>A, p.Glu581Lys (NM_005603.6); short protein forms E531K, E581K.
Identifiers: ClinVar variation 4845966 (VCV004845966.1).